The following is an entry in ClinVar:

NM_020693.4(DSCAML1):c.2596A>G (p.Ser866Gly)

Gene: DSCAML1 (DS cell adhesion molecule like 1; minus strand). Cytogenetic location: 11q23.3.
Variant type: single nucleotide variant.
Coding change: c.2596A>G on transcript NM_020693.4 (MANE Select); coding-DNA position 2596, A replaced by G.
Protein change: p.Ser866Gly; replaces serine 866 with glycine.
Molecular consequence: missense variant.
Genome position (GRCh38, 1-based): chr11:117,481,234, T>C on the plus strand (A>G on the coding strand, the complement: DSCAML1 is on the minus strand). VCF-style: chr11-117481234-T-C. GRCh37 (hg19) VCF-style: chr11-117351949-T-C.
Other names: c.2596A>G, p.Ser866Gly (NM_001367904.1); short protein forms S866G.
Identifiers: ClinVar variation 3722280 (VCV003722280.2).

ClinVar aggregate classification (germline): Uncertain significance (1 of 4 stars; one submission).

gnomAD v4.1: 4 of 1,613,748 alleles (0.00025%); highest among the groups gnomAD compares: Non-Finnish European, 0.00034%; no homozygotes.

Submission:

Labcorp Genetics (formerly Invitae), Labcorp
Classification: Uncertain significance. Last evaluated: 2025-04-16. Review status: criteria provided, single submitter. Criteria: Invitae Variant Classification Sherloc (09022015). Collection method: clinical testing. Allele origin: germline.
Comment: This sequence change replaces serine, which is neutral and polar, with glycine, which is neutral and non-polar, at codon 926 of the DSCAML1 protein (p.Ser926Gly). This variant is present in population databases (no rsID available, gnomAD 0.0009%). This variant has not been reported in the literature in individuals affected with DSCAML1-related conditions. ClinVar contains an entry for this variant (Variation ID: 3722280). An algorithm developed to predict the effect of missense changes on protein structure and function (PolyPhen-2) suggests that this variant is likely to be disruptive. In summary, the available evidence is currently insufficient to determine the role of this variant in disease. Therefore, it has been classified as a Variant of Uncertain Significance.